The following is an entry in ClinVar:

NM_015338.6(ASXL1):c.884T>C (p.Val295Ala)

Gene: ASXL1 (ASXL transcriptional regulator 1; plus strand). Cytogenetic location: 20q11.21.
Variant type: single nucleotide variant.
Coding change: c.884T>C on transcript NM_015338.6 (MANE Select); coding-DNA position 884, T replaced by C.
Protein change: p.Val295Ala; replaces valine 295 with alanine.
Molecular consequence: missense variant.
Genome position (GRCh38, 1-based): chr20:32,431,584, T>C. VCF-style: chr20-32431584-T-C. GRCh37 (hg19) VCF-style: chr20-31019387-T-C.
Other names: c.701T>C, p.Val234Ala (NM_001363734.1); short protein forms V234A, V295A.
Identifiers: ClinVar variation 3012326 (VCV003012326.5), dbSNP rs750064853, ClinGen allele CA9808222.

ClinVar aggregate classification (germline): Conflicting classifications of pathogenicity. Review status: criteria provided, conflicting classifications (1 of 4 stars). 3 submissions from 3 submitters: Uncertain significance (1); Likely benign (2). Last evaluated 2026-03-22.

Conditions:
Inborn genetic diseases. Identifiers: MedGen C0950123, MeSH D030342.

Allele frequency attached by ClinVar (database versions not stated): gnomAD 0.00007; ExAC 0.00004; gnomAD exomes 0.00003.
gnomAD v4.1: 58 of 1,614,168 alleles (0.0036%); highest among the groups gnomAD compares: Non-Finnish European, 0.00042%; no homozygotes.

Submissions (3):

Ambry Genetics
Classification: Likely benign for Inborn genetic diseases. Last evaluated: 2026-03-22. Review status: criteria provided, single submitter. Criteria: Ambry Variant Classification Scheme 2023. Collection method: clinical testing. Allele origin: germline.

Laboratory of Genetics, Children's Clinical University Hospital Latvia
Classification: Likely benign. Last evaluated: 2025-02-16. Review status: criteria provided, single submitter. Criteria: ACMG Guidelines, 2015. Collection method: clinical testing. Allele origin: germline. Affected: yes.

Labcorp Genetics (formerly Invitae), Labcorp
Classification: Uncertain significance. Last evaluated: 2023-08-28. Review status: criteria provided, single submitter. Criteria: Invitae Variant Classification Sherloc (09022015). Collection method: clinical testing. Allele origin: germline.
Comment: In summary, the available evidence is currently insufficient to determine the role of this variant in disease. Therefore, it has been classified as a Variant of Uncertain Significance. Algorithms developed to predict the effect of missense changes on protein structure and function output the following: SIFT: "Not Available"; PolyPhen-2: "Benign"; Align-GVGD: "Not Available". The alanine amino acid residue is found in multiple mammalian species, which suggests that this missense change does not adversely affect protein function. This variant has not been reported in the literature in individuals affected with ASXL1-related conditions. This variant is present in population databases (rs750064853, gnomAD 0.07%), and has an allele count higher than expected for a pathogenic variant. This sequence change replaces valine, which is neutral and non-polar, with alanine, which is neutral and non-polar, at codon 295 of the ASXL1 protein (p.Val295Ala).